The following is an entry in ClinVar:

ClinVar aggregate classification (germline): Uncertain significance (1 of 4 stars; one submission).

Submission:

Labcorp Genetics (formerly Invitae), Labcorp
Classification: Uncertain significance. Last evaluated: 2022-06-13. Review status: criteria provided, single submitter. Criteria: Invitae Variant Classification Sherloc (09022015). Collection method: clinical testing. Allele origin: germline.
Comment: This variant has not been reported in the literature in individuals affected with COQ8A-related conditions. This variant is not present in population databases (gnomAD no frequency). This sequence change replaces serine, which is neutral and polar, with threonine, which is neutral and polar, at codon 367 of the COQ8A protein (p.Ser367Thr). In summary, the available evidence is currently insufficient to determine the role of this variant in disease. Therefore, it has been classified as a Variant of Uncertain Significance. Advanced modeling of protein sequence and biophysical properties (such as structural, functional, and spatial information, amino acid conservation, physicochemical variation, residue mobility, and thermodynamic stability) performed at Invitae indicates that this missense variant is expected to disrupt COQ8A protein function.

NM_020247.5(COQ8A):c.1100G>C (p.Ser367Thr)

Gene: COQ8A (coenzyme Q8A; plus strand). Cytogenetic location: 1q42.13.
Variant type: single nucleotide variant.
Coding change: c.1100G>C on transcript NM_020247.5 (MANE Select); coding-DNA position 1100, G replaced by C.
Protein change: p.Ser367Thr; replaces serine 367 with threonine.
Molecular consequence: missense variant.
Genome position (GRCh38, 1-based): chr1:226,983,571, G>C. VCF-style: chr1-226983571-G-C. GRCh37 (hg19) VCF-style: chr1-227171272-G-C.
Other names: short protein forms S367T.
Identifiers: ClinVar variation 2005825 (VCV002005825.4), dbSNP rs1242101084, ClinGen allele CA345053503.